The following is an entry in ClinVar:

NM_001048174.2(MUTYH):c.1417_1418delinsGG (p.Gln473Gly)

Gene: MUTYH (mutY DNA glycosylase; minus strand). Cytogenetic location: 1p34.1.
Variant type: Indel.
Coding change: c.1417_1418delinsGG on transcript NM_001048174.2 (MANE Select); coding-DNA positions 1417 to 1418, CA replaced by GG.
Protein change: p.Gln473Gly; replaces glutamine 473 with glycine.
Molecular consequence: missense variant. On other transcripts: non-coding transcript variant (2).
Genome position (GRCh38, 1-based): chr1:45,330,532-45,330,533, TG replaced by CC on the plus strand (CA replaced by GG on the coding strand, the reverse complement: MUTYH is on the minus strand). VCF-style: chr1-45330532-TG-CC. GRCh37 (hg19) VCF-style: chr1-45796204-TG-CC.
Other names: c.1417_1418delinsGG, p.Gln473Gly (NM_001048171.2, NM_001048173.2, NM_001293195.2); c.1420_1421delinsGG, p.Gln474Gly (NM_001048172.2); c.1501_1502delinsGG, p.Gln501Gly (NM_001128425.2); c.1462_1463delinsGG, p.Gln488Gly (NM_001293190.2); c.1450_1451delinsGG, p.Gln484Gly (NM_001293191.2); c.1141_1142delinsGG, p.Gln381Gly (NM_001293192.2, NM_001293196.2); c.1072_1073delinsGG, p.Gln358Gly (NM_001350650.2, NM_001350651.2); c.1492_1493delinsGG, p.Gln498Gly (NM_012222.3); short protein forms Q358G, Q473G, Q501G, Q474G, Q484G, Q488G, Q381G, Q498G.
Identifiers: ClinVar variation 819380 (VCV000819380.4), dbSNP rs1570345360, ClinGen allele CA915941256.

ClinVar aggregate classification (germline): Uncertain significance (1 of 4 stars; one submission).

Conditions:
Hereditary cancer-predisposing syndrome. Also called: Tumor predisposition; Hereditary neoplastic syndrome; Neoplastic Syndromes, Hereditary; Hereditary Cancer Syndrome. Identifiers: Orphanet 140162, MedGen C0027672, MeSH D009386, MONDO:0015356.

Submission:

Ambry Genetics
Classification: Uncertain significance for Hereditary cancer-predisposing syndrome. Last evaluated: 2019-04-01. Review status: criteria provided, single submitter. Criteria: Ambry Variant Classification Scheme 2023. Collection method: clinical testing. Allele origin: germline.
Comment: The c.1501_1502delCAinsGG variant, located in coding exon 15 of the MUTYH gene, results from an in-frame deletion of CA and insertion of GG at nucleotide positions 1501 to 1502. This results in the substitution of the glutamine residue for a glycine residue at codon 501, an amino acid with similar properties. This amino acid position is not well conserved in available vertebrate species. Since supporting evidence is limited at this time, the clinical significance of this alteration remains unclear.